The following is an entry in ClinVar:

NM_005629.4(SLC6A8):c.1597-6C>G

Gene: SLC6A8 (solute carrier family 6 member 8; plus strand). Cytogenetic location: Xq28.
Variant type: single nucleotide variant.
Coding change: c.1597-6C>G on transcript NM_005629.4 (MANE Select); 6 bases into the intron before coding-DNA position 1597, C replaced by G.
Molecular consequence: intron variant.
Genome position (GRCh38, 1-based): chrX:153,694,713, C>G. VCF-style: chrX-153694713-C-G. GRCh37 (hg19) VCF-style: chrX-152960168-C-G.
Other names: c.1567-6C>G (NM_001142805.2); c.1252-6C>G (NM_001142806.1).
Identifiers: ClinVar variation 2126235 (VCV002126235.5), dbSNP rs2091478800, ClinGen allele CA2580101818.

ClinVar aggregate classification (germline): Conflicting classifications of pathogenicity. Review status: criteria provided, conflicting classifications (1 of 4 stars). 2 submissions from 2 submitters: Uncertain significance (1); Likely benign (1). Last evaluated 2023-05-22.

Conditions:
Creatine transporter deficiency (CCDS1). Also called: Creatine Transporter (CRTR) Deficiency; Mental retardation , X-linked with seizures, short stature and midface hypoplasia; Mental retardation , X-linked, with creatine transport deficiency; X-linked creatine transporter deficiency; X-linked creatine deficiency syndrome; SLC6A8-Related Creatine Transporter Deficiency. Identifiers: Orphanet 52503, MedGen C1845862, MONDO:0010305, OMIM 300352.

Submissions (2):

GeneDx
Classification: Uncertain significance. Last evaluated: 2023-05-22. Review status: criteria provided, single submitter. Criteria: GeneDx Variant Classification Process June 2021. Collection method: clinical testing. Allele origin: germline. Affected: yes.
Comment: Not observed at significant frequency in large population cohorts (gnomAD); In silico analysis supports that this variant does not alter splicing; Has not been previously published as pathogenic or benign to our knowledge

Labcorp Genetics (formerly Invitae), Labcorp
Classification: Likely benign for Creatine transporter deficiency. Last evaluated: 2022-09-06. Review status: criteria provided, single submitter. Criteria: Invitae Variant Classification Sherloc (09022015). Collection method: clinical testing. Allele origin: germline.